The following is an entry in ClinVar:

NM_000070.3(CAPN3):c.1801-1G>A

Gene: CAPN3 (calpain 3; plus strand). Cytogenetic location: 15q15.1.
Variant type: single nucleotide variant.
Coding change: c.1801-1G>A on transcript NM_000070.3 (MANE Select); the canonical splice acceptor site of the intron before coding-DNA position 1801, G replaced by A.
Molecular consequence: splice acceptor variant. On other transcripts: intron variant (3).
Genome position (GRCh38, 1-based): chr15:42,408,210, G>A. VCF-style: chr15-42408210-G-A. GRCh37 (hg19) VCF-style: chr15-42700408-G-A.
Other names: c.1783-1G>A (NM_024344.2); c.1639-1093G>A (NM_173087.2); c.265-1G>A (NM_173088.2); c.-81-1093G>A (NM_173090.2, NM_173089.2).
Identifiers: ClinVar variation 287890 (VCV000287890.18), dbSNP rs886043752, ClinGen allele CA10605901.

ClinVar aggregate classification (germline): Pathogenic/Likely pathogenic. Review status: criteria provided, multiple submitters, no conflicts (2 of 4 stars). 5 submissions from 5 submitters: Pathogenic (3); Likely pathogenic (1). 1 of the submissions does not count toward it. Last evaluated 2025-10-02.

Conditions:
Muscular dystrophy, limb-girdle, autosomal dominant 4. Also called: Calpain-3-related limb-girdle muscular dystrophy D4; MUSCULAR DYSTROPHY, LIMB-GIRDLE, TYPE 1I. Identifiers: Orphanet 565909, MedGen C4748295, MONDO:0029133, OMIM 618129.
Autosomal recessive limb-girdle muscular dystrophy type 2A (LGMDR1). Also called: Calpainopathy; MUSCULAR DYSTROPHY, PELVOFEMORAL; Limb-girdle muscular dystrophy, type 2A; Muscular dystrophy, limb-girdle, type 2A, Amish; LEYDEN-MOEBIUS MUSCULAR DYSTROPHY. Identifiers: Orphanet 267, MedGen C1869123, MONDO:0009675, OMIM 253600. Disease mechanism: loss of function.

Allele frequency attached by ClinVar (database versions not stated): TOPMed below 0.00001; gnomAD exomes 0.00001; gnomAD 0.00002.
gnomAD v4.1: 18 of 1,608,814 alleles (0.0011%); highest among the groups gnomAD compares: Non-Finnish European, 0.0015%; no homozygotes.

Submissions (7):

Labcorp Genetics (formerly Invitae), Labcorp
Classification: Pathogenic for Autosomal recessive limb-girdle muscular dystrophy type 2A. Last evaluated: 2025-10-02. Review status: criteria provided, single submitter. Criteria: Invitae Variant Classification Sherloc (09022015). Collection method: clinical testing. Allele origin: germline.
Comment: This sequence change affects an acceptor splice site in intron 15 of the CAPN3 gene. It is expected to disrupt RNA splicing. Variants that disrupt the donor or acceptor splice site typically lead to a loss of protein function (PMID: 16199547), and loss-of-function variants in CAPN3 are known to be pathogenic (PMID: 10330340, 15689361). This variant is present in population databases (no rsID available, gnomAD 0.002%). Disruption of this splice site has been observed in individuals with autosomal recessive limb-girdle muscular dystrophy (PMID: 19556129, 22057634). ClinVar contains an entry for this variant (Variation ID: 287890). Algorithms developed to predict the effect of sequence changes on RNA splicing suggest that this variant may disrupt the consensus splice site. For these reasons, this variant has been classified as Pathogenic.

Natera, Inc.
Classification: Likely pathogenic for Limb-girdle muscular dystrophy type 2A. Last evaluated: 2025-03-24. Review status: criteria provided, single submitter. Criteria: Natera Variant Classification Schema (03/2026). Collection method: clinical testing. Allele origin: germline.
Comment: The c.1801-1G>A variant in CAPN3 is a canonical splice acceptor site variant predicted to affect pre-mRNA splicing, which may result in an abnormal transcript and altered protein product. This variant is expected to result in nonsense mediated decay, truncation, or a dysfunctional protein product. This variant is rare in the general population with a frequency below the threshold expected for the associated phenotype(s). This variant has been observed in one or more individuals affected with the associated recessive disease, as either homozygous or compound heterozygous with a second variant (PMID: 22057634, 36865086). Given the available evidence, this variant is classified as Likely Pathogenic.

Baylor Genetics
Classification: Pathogenic for Muscular dystrophy, limb-girdle, autosomal dominant 4. Last evaluated: 2024-01-16. Review status: criteria provided, single submitter. Criteria: ACMG Guidelines, 2015. Collection method: clinical testing. Allele origin: unknown.

Eurofins Ntd Llc (ga)
Classification: Pathogenic. Last evaluated: 2016-05-12. Review status: criteria provided, single submitter. Criteria: EGL Classification Definitions 2015. Collection method: clinical testing. Allele origin: germline. Observed: 3 variant alleles, 3 heterozygotes.

Counsyl
Classification: Likely pathogenic for Autosomal recessive limb-girdle muscular dystrophy type 2A. Last evaluated: 2017-09-29. Review status: no assertion criteria provided. Collection method: clinical testing. Allele origin: unknown. Not counted in ClinVar's aggregate classification.

Dr. Peter K. Rogan Lab, Western University
No classification provided (evidence only). Condition: Malignant lymphoma, large B-cell, diffuse. Review status: no classification provided. Collection method: in vitro. Allele origin: not applicable. Functional consequence: retained intron. Not counted in ClinVar's aggregate classification.

Dr. Peter K. Rogan Lab, Western University
No classification provided (evidence only). Condition: Malignant tumor of esophagus. Review status: no classification provided. Collection method: in vitro. Allele origin: not applicable. Functional consequence: skipped exon, retained intron. Not counted in ClinVar's aggregate classification.

Literature cited by the submitters: PubMed 16199547 (cited by Labcorp Genetics (formerly Invitae), Labcorp); PubMed 10330340 (cited by Labcorp Genetics (formerly Invitae), Labcorp); PubMed 15689361 (cited by Labcorp Genetics (formerly Invitae), Labcorp); PubMed 19556129 (cited by Labcorp Genetics (formerly Invitae), Labcorp and Counsyl); PubMed 22057634 (cited by 3 submitters); PubMed 36865086 (cited by Natera, Inc.).